The following is an entry in ClinVar:

ClinVar aggregate classification (germline): Benign/Likely benign. Review status: criteria provided, multiple submitters, no conflicts (2 of 4 stars). 5 submissions from 5 submitters: Benign (2); Likely benign (3). Last evaluated 2026-01-12.

Conditions:
Developmental and epileptic encephalopathy, 36 (DEE36). Also called: Congenital disorder of glycosylation, type Is; ALG13-CDG; Epileptic encephalopathy, early infantile, 36. Identifiers: Orphanet 324422, MedGen C4317295, MONDO:0010472, OMIM 300884.
Inborn genetic diseases. Identifiers: MedGen C0950123, MeSH D030342.

Allele frequency attached by ClinVar (database versions not stated): gnomAD 0.00008 and 0.00007; TOPMed 0.00008; gnomAD exomes 0.00018 and 0.00007; ExAC 0.00021.
gnomAD v4.1: 91 of 1,194,991 alleles (0.0076%); highest among the groups gnomAD compares: Middle Eastern, 0.023%; no homozygotes.

Submissions (5):

Labcorp Genetics (formerly Invitae), Labcorp
Classification: Benign for Developmental and epileptic encephalopathy, 36. Last evaluated: 2026-01-12. Review status: criteria provided, single submitter. Criteria: Invitae Variant Classification Sherloc (09022015). Collection method: clinical testing. Allele origin: germline.

CeGaT Center for Human Genetics Tuebingen
Classification: Likely benign. Last evaluated: 2025-08-01. Review status: criteria provided, single submitter. Criteria: CeGaT Center For Human Genetics Tuebingen Variant Classification Criteria Version 2. Collection method: clinical testing. Allele origin: germline. Affected: yes. Observed: 3 variant alleles.
Comment: ALG13: BP4, BS2

Fulgent Genetics
Classification: Likely benign for Developmental and epileptic encephalopathy, 36. Last evaluated: 2021-12-21. Review status: criteria provided, single submitter. Criteria: ACMG Guidelines, 2015. Collection method: clinical testing. Allele origin: unknown.

Genome-Nilou Lab
Classification: Benign for Developmental and epileptic encephalopathy, 36. Last evaluated: 2021-12-05. Review status: criteria provided, single submitter. Criteria: ACMG Guidelines, 2015. Collection method: clinical testing. Allele origin: germline. Affected: no.

Ambry Genetics
Classification: Likely benign for Inborn genetic diseases. Last evaluated: 2016-11-29. Review status: criteria provided, single submitter. Criteria: Ambry Variant Classification Scheme 2023. Collection method: clinical testing. Allele origin: germline.

NM_001099922.3(ALG13):c.975T>G (p.Thr325=)

Gene: ALG13 (ALG13 UDP-N-acetylglucosaminyltransferase subunit; plus strand). Cytogenetic location: Xq23.
Variant type: single nucleotide variant.
Coding change: c.975T>G on transcript NM_001099922.3 (MANE Select); coding-DNA position 975, T replaced by G.
Protein change: p.Thr325=; no amino-acid change (threonine 325 retained).
Molecular consequence: synonymous variant. On other transcripts: non-coding transcript variant (1).
Genome position (GRCh38, 1-based): chrX:111,713,267, T>G. VCF-style: chrX-111713267-T-G. GRCh37 (hg19) VCF-style: chrX-110956495-T-G.
Other names: c.663T>G, p.Thr221= (NM_001257230.2, NM_001257234.2, NM_001257237.2 and 1 more transcripts); c.741T>G, p.Thr247= (NM_001257231.2); c.975T>G, p.Thr325= (NM_001324292.2).
Identifiers: ClinVar variation 588485 (VCV000588485.41), dbSNP rs767735916, ClinGen allele CA10493632.
Genomic context (GRCh38, chrX:111,713,267, plus strand): 5'-TTTGTTTTCCCCATATAGTCGGGATTTCATTCTTTATCGCTTTCCTGGAAAACCTCCAAC[T>G]TATGTCACAGATAATGGCTATGAAGACAAGGTAAGAAGATGAGTGAATGTTGACTTATAT-3'
Protein context (NP_001093392.1, residues 315-335): ILYRFPGKPP[Thr325=]YVTDNGYEDK